The following is an entry in ClinVar:

NM_000038.6(APC):c.4068A>T (p.Ser1356=)

Gene: APC (APC regulator of Wnt signaling pathway; plus strand). Cytogenetic location: 5q22.2.
Variant type: single nucleotide variant.
Coding change: c.4068A>T on transcript NM_000038.6 (MANE Select); coding-DNA position 4068, A replaced by T.
Protein change: p.Ser1356=; no amino-acid change (serine 1356 retained).
Molecular consequence: synonymous variant.
Genome position (GRCh38, 1-based): chr5:112,839,662, A>T. VCF-style: chr5-112839662-A-T. GRCh37 (hg19) VCF-style: chr5-112175359-A-T.
Other names: c.4068A>T, p.Ser1356= (NM_001127510.3, NM_001354895.2); c.4014A>T, p.Ser1338= (NM_001127511.3); c.4122A>T, p.Ser1374= (NM_001354896.2); c.4098A>T, p.Ser1366= (NM_001354897.2); c.3993A>T, p.Ser1331= (NM_001354898.2); c.3984A>T, p.Ser1328= (NM_001354899.2); c.3945A>T, p.Ser1315= (NM_001354900.2); c.3891A>T, p.Ser1297= (NM_001354901.2); and 5 more.
Identifiers: ClinVar variation 1116948 (VCV001116948.12), dbSNP rs2149905525, ClinGen allele CA445964085.

ClinVar aggregate classification (germline): Benign/Likely benign. Review status: criteria provided, multiple submitters, no conflicts (2 of 4 stars). 3 submissions from 3 submitters: Benign (1); Likely benign (2). Last evaluated 2024-03-25.

Conditions:
Hereditary cancer-predisposing syndrome. Also called: Hereditary neoplastic syndrome; Hereditary Cancer Syndrome; Neoplastic Syndromes, Hereditary; Tumor predisposition. Identifiers: Orphanet 140162, MedGen C0027672, MeSH D009386, MONDO:0015356.
Familial adenomatous polyposis 1 (FAP1). Also called: FAMILIAL ADENOMATOUS POLYPOSIS 1, ATTENUATED; POLYPOSIS, ADENOMATOUS INTESTINAL. Identifiers: MedGen C2713442, MONDO:0021056, OMIM 175100. Disease mechanism: loss of function.

Submissions (3):

Myriad Genetics, Inc.
Classification: Benign for Familial adenomatous polyposis 1. Last evaluated: 2024-03-25. Review status: criteria provided, single submitter. Criteria: Myriad Autosomal Dominant, Autosomal Recessive and X-Linked Classification Criteria (2023). Collection method: clinical testing. Allele origin: unknown.
Comment: This variant is considered benign. This variant is a silent/synonymous amino acid change and it is not expected to impact splicing.

Labcorp Genetics (formerly Invitae), Labcorp
Classification: Likely benign for Familial adenomatous polyposis 1. Last evaluated: 2023-06-16. Review status: criteria provided, single submitter. Criteria: Invitae Variant Classification Sherloc (09022015). Collection method: clinical testing. Allele origin: germline.

Ambry Genetics
Classification: Likely benign for Hereditary cancer-predisposing syndrome. Last evaluated: 2021-04-08. Review status: criteria provided, single submitter. Criteria: Ambry Variant Classification Scheme 2023. Collection method: clinical testing. Allele origin: germline.